The following is an entry in ClinVar:

NM_000890.5(KCNJ5):c.866T>C (p.Met289Thr)

Gene: KCNJ5 (potassium inwardly rectifying channel subfamily J member 5; plus strand). Cytogenetic location: 11q24.3.
Variant type: single nucleotide variant.
Coding change: c.866T>C on transcript NM_000890.5 (MANE Select); coding-DNA position 866, T replaced by C.
Protein change: p.Met289Thr; replaces methionine 289 with threonine.
Molecular consequence: missense variant.
Genome position (GRCh38, 1-based): chr11:128,912,139, T>C. VCF-style: chr11-128912139-T-C. GRCh37 (hg19) VCF-style: chr11-128782034-T-C.
Other names: c.866T>C, p.Met289Thr (NM_001354169.2); c.866T>C (LRG_333t1); short protein forms M289T.
Identifiers: ClinVar variation 404091 (VCV000404091.8), dbSNP rs936797038, ClinGen allele CA16613269.

ClinVar aggregate classification (germline): Uncertain significance (1 of 4 stars; one submission).

Conditions:
Long QT syndrome (LQTS). Identifiers: MedGen C0023976, MeSH D008133, MONDO:0002442. Disease mechanism: loss of function. Inheritance: Various modes of inheritance.

Allele frequency attached by ClinVar (database versions not stated): gnomAD exomes below 0.00001; gnomAD 0.00001; TOPMed 0.00001.
gnomAD v4.1: 2 of 1,612,276 alleles (0.00012%); highest among the groups gnomAD compares: Non-Finnish European, 0.00017%; no homozygotes.

Submission:

Labcorp Genetics (formerly Invitae), Labcorp
Classification: Uncertain significance for Long QT syndrome. Last evaluated: 2022-03-19. Review status: criteria provided, single submitter. Criteria: Invitae Variant Classification Sherloc (09022015). Collection method: clinical testing. Allele origin: germline.
Comment: This variant has not been reported in the literature in individuals affected with KCNJ5-related conditions. In summary, the available evidence is currently insufficient to determine the role of this variant in disease. Therefore, it has been classified as a Variant of Uncertain Significance. Advanced modeling of protein sequence and biophysical properties (such as structural, functional, and spatial information, amino acid conservation, physicochemical variation, residue mobility, and thermodynamic stability) performed at Invitae indicates that this missense variant is not expected to disrupt KCNJ5 protein function. ClinVar contains an entry for this variant (Variation ID: 404091). This variant is present in population databases (no rsID available, gnomAD 0.0009%). This sequence change replaces methionine, which is neutral and non-polar, with threonine, which is neutral and polar, at codon 289 of the KCNJ5 protein (p.Met289Thr).